The following is an entry in ClinVar:

NM_005221.6(DLX5):c.130G>T (p.Asp44Tyr)

Gene: DLX5 (distal-less homeobox 5; minus strand). Cytogenetic location: 7q21.3.
Variant type: single nucleotide variant.
Coding change: c.130G>T on transcript NM_005221.6 (MANE Select); coding-DNA position 130, G replaced by T.
Protein change: p.Asp44Tyr; replaces aspartic acid 44 with tyrosine.
Molecular consequence: missense variant.
Genome position (GRCh38, 1-based): chr7:97,024,494, C>A on the plus strand (G>T on the coding strand, the complement: DLX5 is on the minus strand). VCF-style: chr7-97024494-C-A. GRCh37 (hg19) VCF-style: chr7-96653806-C-A.
Other names: c.130G>T (NM_005221.5); short protein forms D44Y.
Identifiers: ClinVar variation 1934548 (VCV001934548.6), dbSNP rs1790142141, ClinGen allele CA368262443.

ClinVar aggregate classification (germline): Uncertain significance. Review status: criteria provided, multiple submitters, no conflicts (2 of 4 stars). 2 submissions from 2 submitters: Uncertain significance (2). Last evaluated 2024-05-03.

Conditions:
Inborn genetic diseases. Identifiers: MedGen C0950123, MeSH D030342.

Allele frequency attached by ClinVar (database versions not stated): TOPMed below 0.00001.

Submissions (2):

Ambry Genetics
Classification: Uncertain significance for Inborn genetic diseases. Last evaluated: 2024-05-03. Review status: criteria provided, single submitter. Criteria: Ambry Variant Classification Scheme 2023. Collection method: clinical testing. Allele origin: germline.

Labcorp Genetics (formerly Invitae), Labcorp
Classification: Uncertain significance. Last evaluated: 2022-02-22. Review status: criteria provided, single submitter. Criteria: Invitae Variant Classification Sherloc (09022015). Collection method: clinical testing. Allele origin: germline.
Comment: In summary, the available evidence is currently insufficient to determine the role of this variant in disease. Therefore, it has been classified as a Variant of Uncertain Significance. Algorithms developed to predict the effect of missense changes on protein structure and function (SIFT, PolyPhen-2, Align-GVGD) all suggest that this variant is likely to be disruptive. This variant has not been reported in the literature in individuals affected with DLX5-related conditions. This variant is not present in population databases (gnomAD no frequency). This sequence change replaces aspartic acid, which is acidic and polar, with tyrosine, which is neutral and polar, at codon 44 of the DLX5 protein (p.Asp44Tyr).